The following is an entry in ClinVar:

NM_007294.4(BRCA1):c.1844C>A (p.Ser615Tyr)

Gene: BRCA1 (BRCA1 DNA repair associated; minus strand). Cytogenetic location: 17q21.31.
Variant type: single nucleotide variant.
Coding change: c.1844C>A on transcript NM_007294.4 (MANE Select); coding-DNA position 1844, C replaced by A.
Protein change: p.Ser615Tyr; replaces serine 615 with tyrosine.
Molecular consequence: missense variant. On other transcripts: intron variant (137).
Genome position (GRCh38, 1-based): chr17:43,093,687, G>T on the plus strand (C>A on the coding strand, the complement: BRCA1 is on the minus strand). VCF-style: chr17-43093687-G-T. GRCh37 (hg19) VCF-style: chr17-41245704-G-T.
Other names: c.1721C>A, p.Ser574Tyr (NM_001407683.1, NM_001407648.1, NM_001407664.1 and 19 more transcripts); c.1844C>A, p.Ser615Tyr (NM_001407684.1, NM_001407581.1, NM_001407582.1 and 30 more transcripts); c.1718C>A, p.Ser573Tyr (NM_001407689.1, NM_001407690.1, NM_001407685.1 and 11 more transcripts); c.1631C>A, p.Ser544Tyr (NM_001407571.1, NM_001407853.1, NM_001407894.1 and 9 more transcripts); c.1841C>A, p.Ser614Tyr (NM_001407587.1, NM_001407590.1, NM_001407591.1 and 22 more transcripts); c.1835C>A, p.Ser612Tyr (NM_001407646.1, NM_001407647.1); c.1766C>A, p.Ser589Tyr (NM_001407653.1, NM_001407654.1, NM_001407655.1 and 4 more transcripts); c.1763C>A, p.Ser588Tyr (NM_001407659.1, NM_001407660.1, NM_001407661.1 and 1 more transcripts); and 40 more; short protein forms S319Y, S488Y, S526Y, S527Y, S544Y, S547Y, S504Y, S545Y.
Identifiers: ClinVar variation 2811842 (VCV002811842.4), dbSNP rs398122645, ClinGen allele CA10598330.
Genomic context (GRCh38, chr17:43,093,687, plus strand): 5'-TTAGGTGGGCTTAGATTTCTACTGACTACTAGTTCAAGCGCATGAATATGCCTGGTAGAA[G>T]ACTTCCTCCTCAGCCTATTCTTTTTAGGTGCTTTTGAATTGTGGATATTTAATTCGAGTT-3'
Protein context (NP_009225.1, residues 605-625): APKKNRLRRK[Ser615Tyr]STRHIHALEL

ClinVar aggregate classification (germline): Uncertain significance. Review status: criteria provided, multiple submitters, no conflicts (2 of 4 stars). 2 submissions from 2 submitters: Uncertain significance (2). Last evaluated 2025-05-01.

Conditions:
Hereditary breast ovarian cancer syndrome. Also called: Hereditary breast and ovarian cancer; Hereditary breast and ovarian cancer syndrome; Breast and ovarian cancer; BRCA1- and BRCA2-Associated Hereditary Breast and Ovarian Cancer; Hereditary breast and ovarian cancer syndrome (HBOC); Hereditary breast and/or ovarian cancer syndrome. Identifiers: Orphanet 145, MedGen C0677776, MeSH D061325, MONDO:0003582. Disease mechanism: loss of function.

Allele frequency attached by ClinVar (database versions not stated): gnomAD exomes below 0.00001.
gnomAD v4.1: 3 of 1,614,078 alleles (0.00019%); highest among the groups gnomAD compares: South Asian, 0.0033%; no homozygotes.

Submissions (2):

Quest Diagnostics Nichols Institute San Juan Capistrano
Classification: Uncertain significance. Last evaluated: 2025-05-01. Review status: criteria provided, single submitter. Criteria: Quest Diagnostics criteria. Collection method: clinical testing. Allele origin: unknown.
Comment: The BRCA1 c.1844C>A (p.Ser615Tyr) variant has been reported in one individual with breast cancer in a large scale breast cancer association study (PMID: 33471991 (2021), see also LOVD). The frequency of this variant in the general population (Genome Aggregation Database) is uninformative in the assessment of its pathogenicity. Analysis of this variant using bioinformatics tools for the prediction of the effect of amino acid changes on protein structure and function yielded conflicting predictions that this variant is benign or damaging. Based on the available information, we are unable to determine the clinical significance of this variant.

Labcorp Genetics (formerly Invitae), Labcorp
Classification: Uncertain significance for Hereditary breast ovarian cancer syndrome. Last evaluated: 2022-11-03. Review status: criteria provided, single submitter. Criteria: Invitae Variant Classification Sherloc (09022015). Collection method: clinical testing. Allele origin: germline.
Comment: This sequence change replaces serine, which is neutral and polar, with tyrosine, which is neutral and polar, at codon 615 of the BRCA1 protein (p.Ser615Tyr). This variant is present in population databases (no rsID available, gnomAD 0.003%). This variant has not been reported in the literature in individuals affected with BRCA1-related conditions. Advanced modeling of protein sequence and biophysical properties (such as structural, functional, and spatial information, amino acid conservation, physicochemical variation, residue mobility, and thermodynamic stability) performed at Invitae indicates that this missense variant is not expected to disrupt BRCA1 protein function. In summary, the available evidence is currently insufficient to determine the role of this variant in disease. Therefore, it has been classified as a Variant of Uncertain Significance.

Literature cited by the submitters: PubMed 33471991 (cited by Quest Diagnostics Nichols Institute San Juan Capistrano).